The following is an entry in ClinVar:

ClinVar aggregate classification (germline): Uncertain significance. Review status: criteria provided, multiple submitters, no conflicts (2 of 4 stars). 4 submissions from 4 submitters: Uncertain significance (4). Last evaluated 2025-12-05.

Conditions:
Inborn genetic diseases. Identifiers: MedGen C0950123, MeSH D030342.
Seizures, benign familial infantile, 3 (BFIS3). Also called: Familial neonatal seizures; CONVULSIONS, BENIGN FAMILIAL INFANTILE, 3. Identifiers: Orphanet 140927, Orphanet 306, MedGen C1843140, MONDO:0011904, OMIM 607745.
Developmental and epileptic encephalopathy, 11 (DEE11). Also called: Early infantile epileptic encephalopathy 11. Identifiers: Orphanet 1934, MedGen C3150987, MONDO:0013388, OMIM 613721.

Submissions (4):

GeneDx
Classification: Uncertain significance. Last evaluated: 2025-12-05. Review status: criteria provided, single submitter. Criteria: GeneDx Variant Classification Process June 2021. Collection method: clinical testing. Allele origin: germline. Affected: yes.
Comment: Not observed at significant frequency in large population cohorts (gnomAD); In silico analysis suggests that this missense variant does not alter protein structure/function; This substitution is predicted to be in the cytoplasmic loop between the first and second homologous domains; Has not been previously published as pathogenic or benign to our knowledge

Mayo Clinic Laboratories, Mayo Clinic
Classification: Uncertain significance. Last evaluated: 2025-09-04. Review status: criteria provided, single submitter. Criteria: ACMG Guidelines, 2015. Collection method: clinical testing. Allele origin: germline. Observed: 1 variant allele.
Comment: BP4, PM2_supporting

Ambry Genetics
Classification: Uncertain significance for Inborn genetic diseases. Last evaluated: 2024-10-20. Review status: criteria provided, single submitter. Criteria: Ambry Variant Classification Scheme 2023. Collection method: clinical testing. Allele origin: germline.

Labcorp Genetics (formerly Invitae), Labcorp
Classification: Uncertain significance for Seizures, benign familial infantile, 3; Developmental and epileptic encephalopathy, 11. Last evaluated: 2024-07-03. Review status: criteria provided, single submitter. Criteria: Invitae Variant Classification Sherloc (09022015). Collection method: clinical testing. Allele origin: germline.
Comment: This sequence change replaces isoleucine, which is neutral and non-polar, with phenylalanine, which is neutral and non-polar, at codon 637 of the SCN2A protein (p.Ile637Phe). This variant is not present in population databases (gnomAD no frequency). This variant has not been reported in the literature in individuals affected with SCN2A-related conditions. ClinVar contains an entry for this variant (Variation ID: 859954). Advanced modeling of protein sequence and biophysical properties (such as structural, functional, and spatial information, amino acid conservation, physicochemical variation, residue mobility, and thermodynamic stability) performed at Invitae indicates that this missense variant is not expected to disrupt SCN2A protein function with a negative predictive value of 95%. In summary, the available evidence is currently insufficient to determine the role of this variant in disease. Therefore, it has been classified as a Variant of Uncertain Significance.

NM_001040142.2(SCN2A):c.1909A>T (p.Ile637Phe)

Gene: SCN2A (sodium voltage-gated channel alpha subunit 2; plus strand). Cytogenetic location: 2q24.3.
Variant type: single nucleotide variant.
Coding change: c.1909A>T on transcript NM_001040142.2 (MANE Select); coding-DNA position 1909, A replaced by T.
Protein change: p.Ile637Phe; replaces isoleucine 637 with phenylalanine.
Molecular consequence: missense variant.
Genome position (GRCh38, 1-based): chr2:165,323,393, A>T. VCF-style: chr2-165323393-A-T. GRCh37 (hg19) VCF-style: chr2-166179903-A-T.
Other names: p.Ile637Phe; c.1909A>T, p.Ile637Phe (NM_001040143.2, NM_001371246.1, NM_001371247.1 and 1 more transcripts); short protein forms I637F.
Identifiers: ClinVar variation 859954 (VCV000859954.15), dbSNP rs758619758, ClinGen allele CA349027396.
Genomic context (GRCh38, chr2:165,323,393, plus strand): 5'-CATGGAGAACGGCGCCACAGCAATGTCAGCCAGGCCAGCCGTGCCTCCAGGGTGCTCCCC[A>T]TCCTGCCCATGAATGGGAAGATGCATAGCGCTGTGGACTGCAATGGTGTGGTCTCCCTGG-3'
Protein context (NP_001035232.1, residues 627-647): QASRASRVLP[Ile637Phe]LPMNGKMHSA